The following is an entry in ClinVar:

ClinVar aggregate classification (germline): Uncertain significance (1 of 4 stars; one submission).

Conditions:
Jeune thoracic dystrophy. Also called: Jeune syndrome; Infantile thoracic dystrophy; Thoracic pelvic phalangeal dystrophy; Jeune's syndrome; Chondroectodermal dysplasia-like syndrome; Short-rib thoracic dysplasia. Identifiers: Orphanet 474, MedGen C0265275, MONDO:0018770.

Allele frequency attached by ClinVar (database versions not stated): gnomAD exomes below 0.00001.
gnomAD v4.1: 3 of 1,613,180 alleles (0.00019%); highest among the groups gnomAD compares: East Asian, 0.0022%; no homozygotes.

Submission:

Labcorp Genetics (formerly Invitae), Labcorp
Classification: Uncertain significance for Jeune thoracic dystrophy. Last evaluated: 2021-12-25. Review status: criteria provided, single submitter. Criteria: Invitae Variant Classification Sherloc (09022015). Collection method: clinical testing. Allele origin: germline.
Comment: This sequence change replaces tyrosine, which is neutral and polar, with cysteine, which is neutral and slightly polar, at codon 1633 of the DYNC2H1 protein (p.Tyr1633Cys). In summary, the available evidence is currently insufficient to determine the role of this variant in disease. Therefore, it has been classified as a Variant of Uncertain Significance. Advanced modeling of protein sequence and biophysical properties (such as structural, functional, and spatial information, amino acid conservation, physicochemical variation, residue mobility, and thermodynamic stability) performed at Invitae indicates that this missense variant is expected to disrupt DYNC2H1 protein function. This variant has not been reported in the literature in individuals affected with DYNC2H1-related conditions. This variant is present in population databases (no rsID available, gnomAD 0.006%).

NM_001377.3(DYNC2H1):c.4898A>G (p.Tyr1633Cys)

Gene: DYNC2H1 (dynein cytoplasmic 2 heavy chain 1; plus strand). Cytogenetic location: 11q22.3.
Variant type: single nucleotide variant.
Coding change: c.4898A>G on transcript NM_001377.3 (MANE Select); coding-DNA position 4898, A replaced by G.
Protein change: p.Tyr1633Cys; replaces tyrosine 1633 with cysteine.
Molecular consequence: missense variant.
Genome position (GRCh38, 1-based): chr11:103,168,890, A>G. VCF-style: chr11-103168890-A-G. GRCh37 (hg19) VCF-style: chr11-103039619-A-G.
Other names: c.4898A>G, p.Tyr1633Cys (NM_001080463.2); short protein forms Y1633C.
Identifiers: ClinVar variation 1939800 (VCV001939800.5), dbSNP rs1272313761, ClinGen allele CA382240482.
Genomic context (GRCh38, chr11:103,168,890, plus strand): 5'-TAAACCAAATTCAGGTTCATACAACTGAAGACTGGGCTTGGAAAAAACAACTTAGATTCT[A>G]TATGAAAAGTGATCATACATGTTGTGTTCAAATGGTGGATTCTGAATTTCAGTATACTTA-3'
Protein context (NP_001368.2, residues 1623-1643): DWAWKKQLRF[Tyr1633Cys]MKSDHTCCVQ